The following is an entry in ClinVar:

NC_000023.10:g.(8667787_8699870)_(8700179_?)del

Gene: ANOS1 (anosmin 1; minus strand). Cytogenetic location: Xp22.31.
Variant type: Deletion.
Identifiers: ClinVar variation 4848703 (VCV004848703.1).

ClinVar aggregate classification (germline): Pathogenic (1 of 4 stars; one submission).

Conditions:
Hypogonadotropic hypogonadism 1 with or without anosmia (HH1). Also called: Hypogonadotropic hypogonadism 1 with or without anosmia (Kallmann syndrome 1); HYPOGONADOTROPIC HYPOGONADISM AND ANOSMIA; KAL1-Related GnRH Deficiency (Kallmann Syndrome 1; Kallmann Syndrome, X-Linked); Kallmann syndrome, type 1, X-linked; DYSPLASIA OLFACTOGENITALIS OF DE MORSIER; HYPOGONADOTROPIC HYPOGONADISM 1 WITH ANOSMIA. Identifiers: Orphanet 478, MedGen C1563719, MONDO:0010635, OMIM 308700. Disease mechanism: loss of function.

Submission:

Women's Health and Genetics/Laboratory Corporation of America, LabCorp
Classification: Pathogenic for Hypogonadotropic hypogonadism 1 with or without anosmia. Last evaluated: 2026-04-09. Review status: criteria provided, single submitter. Criteria: LabCorp Variant Classification Summary - May 2015. Collection method: clinical testing. Allele origin: germline.
Comment: Variant summary: The variant involves the deletion of exon 1 in the ANOS1 gene. A presumed nomenclature of c.(?_-102)_(207+1_208-1)del has been designated for the purposes of this classification. The exact breakpoint at the 5' end of this variant is unknown, therefore this deletion may extend upstream of the annotated region of this gene. Although the exact breakpoints of this deletion are not known, it is predicted to remove the initiation codon and result in an absence of protein or a truncation of the encoded protein due to translation initiation at a downstream site. Loss-of-function variants in this gene are known to be pathogenic. Similar CNVs were absent in 16111 control chromosomes. A similar CNV has been observed in the hemizygous state in at least 1 individual(s) affected with Hypogonadotropic Hypogonadism 1 With Or Without Anosmia (example, Zouaghi_2024). These report(s) do not provide unequivocal conclusions about association of the variant with Hypogonadotropic Hypogonadism 1 With Or Without Anosmia. To our knowledge, no experimental evidence demonstrating an impact on protein function has been reported. The following publication has been ascertained in the context of this evaluation (PMID: 39143522). No submitters have cited clinical-significance assessments for this variant to ClinVar. Based on the evidence outlined above, the variant was classified as pathogenic.

Literature cited by the submitters: PubMed 39143522.